The following is an entry in ClinVar:

NM_181882.3(PRX):c.2261G>A (p.Arg754Gln)

Gene: PRX (periaxin; minus strand). Cytogenetic location: 19q13.2.
Variant type: single nucleotide variant.
Coding change: c.2261G>A on transcript NM_181882.3 (MANE Select); coding-DNA position 2261, G replaced by A.
Protein change: p.Arg754Gln; replaces arginine 754 with glutamine.
Molecular consequence: missense variant. On other transcripts: 3 prime UTR variant (1).
Genome position (GRCh38, 1-based): chr19:40,396,091, C>T on the plus strand (G>A on the coding strand, the complement: PRX is on the minus strand). VCF-style: chr19-40396091-C-T. GRCh37 (hg19) VCF-style: chr19-40901998-C-T.
Other names: c.*2466G>A (NM_020956.2); short protein forms R754Q.
Identifiers: ClinVar variation 892699 (VCV000892699.13), dbSNP rs760071236, ClinGen allele CA9444094.

ClinVar aggregate classification (germline): Uncertain significance. Review status: criteria provided, multiple submitters, no conflicts (2 of 4 stars). 4 submissions from 4 submitters: Uncertain significance (4). Last evaluated 2024-11-27.

Conditions:
Charcot-Marie-Tooth disease type 4F. Also called: Charcot-Marie-Tooth disease, demyelinating, type 4F. Identifiers: Orphanet 99952, MedGen C3540453, MONDO:0013959, OMIM 614895.
Charcot-Marie-Tooth disease type 4. Also called: Charcot-Marie-Tooth, Type 4; Charcot-Marie-Tooth disease, type IV. Identifiers: Orphanet 64749, MedGen C4082197, MONDO:0018995.
Inborn genetic diseases. Identifiers: MedGen C0950123, MeSH D030342.

Allele frequency attached by ClinVar (database versions not stated): TOPMed 0.00009.
gnomAD v4.1: 50 of 1,614,028 alleles (0.0031%); highest among the groups gnomAD compares: African/African-American, 0.0067%; no homozygotes.

Submissions (4):

Ambry Genetics
Classification: Uncertain significance for Inborn genetic diseases. Last evaluated: 2024-11-27. Review status: criteria provided, single submitter. Criteria: Ambry Variant Classification Scheme 2023. Collection method: clinical testing. Allele origin: germline.

Labcorp Genetics (formerly Invitae), Labcorp
Classification: Uncertain significance for Charcot-Marie-Tooth disease type 4. Last evaluated: 2021-08-27. Review status: criteria provided, single submitter. Criteria: Invitae Variant Classification Sherloc (09022015). Collection method: clinical testing. Allele origin: germline.
Comment: This sequence change replaces arginine with glutamine at codon 754 of the PRX protein (p.Arg754Gln). The arginine residue is moderately conserved and there is a small physicochemical difference between arginine and glutamine. This variant is present in population databases (rs760071236, ExAC 0.009%). This variant has not been reported in the literature in individuals affected with PRX-related conditions. Algorithms developed to predict the effect of missense changes on protein structure and function output the following: SIFT: "Deleterious"; PolyPhen-2: "Benign"; Align-GVGD: "Class C0". The glutamine amino acid residue is found in multiple mammalian species, which suggests that this missense change does not adversely affect protein function. In summary, the available evidence is currently insufficient to determine the role of this variant in disease. Therefore, it has been classified as a Variant of Uncertain Significance.

GeneDx
Classification: Uncertain significance. Last evaluated: 2020-10-07. Review status: criteria provided, single submitter. Criteria: GeneDx Variant Classification Process June 2021. Collection method: clinical testing. Allele origin: germline. Affected: yes.
Comment: Not observed at a significant frequency in large population cohorts (Lek et al., 2016); In silico analysis supports that this missense variant does not alter protein structure/function; Has not been previously published as pathogenic or benign to our knowledge

Illumina Laboratory Services, Illumina
Classification: Uncertain significance for Charcot-Marie-Tooth disease type 4F. Last evaluated: 2018-01-12. Review status: criteria provided, single submitter. Criteria: ICSL Variant Classification Criteria 13 December 2019. Collection method: clinical testing. Allele origin: germline.